The following is an entry in ClinVar:

NM_000388.4(CASR):c.375TGA[1] (p.Asp126del)

Gene: CASR (calcium sensing receptor; plus strand). Cytogenetic location: 3q21.1.
Variant type: Microsatellite.
Coding change: c.375TGA[1] on transcript NM_000388.4 (MANE Select); one copy of the 3-base unit TGA starting at c.375; the reference has two copies in a row; one copy, 3 bases deleted.
Protein change: p.Asp126del; deletes aspartic acid 126.
Molecular consequence: inframe deletion.
Genome position (GRCh38, 1-based): chr3:122,257,273-122,257,275, TGA deleted; deleting any 3 consecutive bases within chr3:122,257,270-122,257,275 gives the same sequence; the position shown is the placement nearest the transcript's 3' end. VCF-style (leftmost placement, unchanged base first): chr3-122257269-TTGA-T. GRCh37 (hg19) VCF-style: chr3-121976116-TTGA-T.
Other names: c.375TGA[1], p.Asp126del (NM_001178065.2); short protein forms D126del.
Identifiers: ClinVar variation 2922297 (VCV002922297.3), dbSNP rs2473214848, ClinGen allele CA2740094561.

ClinVar aggregate classification (germline): Uncertain significance (1 of 4 stars; one submission).

Conditions:
Autosomal dominant hypocalcemia 1 (HYPOC1). Also called: HYPOCALCEMIA, FAMILIAL. Identifiers: MedGen C3715128, MONDO:0011013, OMIM 601198.
Familial hypocalciuric hypercalcemia (FHH). Also called: Familial benign hypercalcemia. Identifiers: Orphanet 405, MedGen C1809471, MONDO:0018458.

Submission:

Labcorp Genetics (formerly Invitae), Labcorp
Classification: Uncertain significance for Familial hypocalciuric hypercalcemia; Autosomal dominant hypocalcemia 1. Last evaluated: 2024-01-19. Review status: criteria provided, single submitter. Criteria: Invitae Variant Classification Sherloc (09022015). Collection method: clinical testing. Allele origin: germline.
Comment: This variant, c.378_380del, results in the deletion of 1 amino acid(s) of the CASR protein (p.Asp126del), but otherwise preserves the integrity of the reading frame. This variant is not present in population databases (gnomAD no frequency). This variant has not been reported in the literature in individuals affected with CASR-related conditions. Experimental studies and prediction algorithms are not available or were not evaluated, and the functional significance of this variant is currently unknown. In summary, the available evidence is currently insufficient to determine the role of this variant in disease. Therefore, it has been classified as a Variant of Uncertain Significance.